The following is an entry in ClinVar:

NM_005546.4(ITK):c.1643T>C (p.Met548Thr)

Gene: ITK (IL2 inducible T cell kinase; plus strand). Cytogenetic location: 5q33.3.
Variant type: single nucleotide variant.
Coding change: c.1643T>C on transcript NM_005546.4 (MANE Select); coding-DNA position 1643, T replaced by C.
Protein change: p.Met548Thr; replaces methionine 548 with threonine.
Molecular consequence: missense variant.
Genome position (GRCh38, 1-based): chr5:157,248,859, T>C. VCF-style: chr5-157248859-T-C. GRCh37 (hg19) VCF-style: chr5-156675869-T-C.
Other names: short protein forms M548T.
Identifiers: ClinVar variation 3700478 (VCV003700478.2).

ClinVar aggregate classification (germline): Uncertain significance (1 of 4 stars; one submission).

Conditions:
Lymphoproliferative syndrome 1 (LPFS1). Identifiers: Orphanet 238505, Orphanet 538963, MedGen C3552634, MONDO:0013081, OMIM 613011.

gnomAD v4.1: 4 of 1,613,966 alleles (0.00025%); highest among the groups gnomAD compares: Non-Finnish European, 0.00025%; no homozygotes.

Submission:

Labcorp Genetics (formerly Invitae), Labcorp
Classification: Uncertain significance for Lymphoproliferative syndrome 1. Last evaluated: 2024-12-19. Review status: criteria provided, single submitter. Criteria: Invitae Variant Classification Sherloc (09022015). Collection method: clinical testing. Allele origin: germline.
Comment: This sequence change replaces methionine, which is neutral and non-polar, with threonine, which is neutral and polar, at codon 548 of the ITK protein (p.Met548Thr). This variant is not present in population databases (gnomAD no frequency). This variant has not been reported in the literature in individuals affected with ITK-related conditions. Invitae Evidence Modeling of protein sequence and biophysical properties (such as structural, functional, and spatial information, amino acid conservation, physicochemical variation, residue mobility, and thermodynamic stability) indicates that this missense variant is expected to disrupt ITK protein function with a positive predictive value of 80%. In summary, the available evidence is currently insufficient to determine the role of this variant in disease. Therefore, it has been classified as a Variant of Uncertain Significance.